The following is an entry in ClinVar:

ClinVar aggregate classification (germline): Uncertain significance (1 of 4 stars; one submission).

Conditions:
Familial thoracic aortic aneurysm and aortic dissection (TAAD). Also called: Thoracic aortic aneurysms and dissections. Identifiers: Orphanet 91387, MedGen C4707243, MONDO:0019625.

Allele frequency attached by ClinVar (database versions not stated): gnomAD exomes below 0.00001; TOPMed below 0.00001.
gnomAD v4.1: 1 of 1,614,208 alleles (0.000062%); highest among the groups gnomAD compares: Admixed American, 0.0017%; no homozygotes.

Submission:

Ambry Genetics
Classification: Uncertain significance for Familial thoracic aortic aneurysm and aortic dissection. Last evaluated: 2021-12-13. Review status: criteria provided, single submitter. Criteria: Ambry Variant Classification Scheme 2023. Collection method: clinical testing. Allele origin: germline.
Comment: The p.S536C variant (also known as c.1607C>G), located in coding exon 9 of the MYLK gene, results from a C to G substitution at nucleotide position 1607. The serine at codon 536 is replaced by cysteine, an amino acid with dissimilar properties. This amino acid position is conserved. In addition, this alteration is predicted to be tolerated by in silico analysis. Since supporting evidence is limited at this time, the clinical significance of this alteration remains unclear.

NM_053025.4(MYLK):c.1607C>G (p.Ser536Cys)

Gene: MYLK (myosin light chain kinase; minus strand). Cytogenetic location: 3q21.1.
Variant type: single nucleotide variant.
Coding change: c.1607C>G on transcript NM_053025.4 (MANE Select); coding-DNA position 1607, C replaced by G.
Protein change: p.Ser536Cys; replaces serine 536 with cysteine.
Molecular consequence: missense variant.
Genome position (GRCh38, 1-based): chr3:123,725,988, G>C on the plus strand (C>G on the coding strand, the complement: MYLK is on the minus strand). VCF-style: chr3-123725988-G-C. GRCh37 (hg19) VCF-style: chr3-123444835-G-C.
Other names: c.1079C>G, p.Ser360Cys (NM_001321309.2); c.1400C>G, p.Ser467Cys (NM_053026.4, NM_053028.4); c.1607C>G, p.Ser536Cys (NM_053027.4); short protein forms S360C, S536C, S467C.
Identifiers: ClinVar variation 1776311 (VCV001776311.2), dbSNP rs867396042, ClinGen allele CA354235611.